The following is an entry in ClinVar:

ClinVar aggregate classification (germline): Uncertain significance (1 of 4 stars; one submission).

Conditions:
Isovaleryl-CoA dehydrogenase deficiency (IVA). Also called: Isovaleric acidemia; Classic Isovaleric Acidemia; ISOVALERIC ACID CoA DEHYDROGENASE DEFICIENCY; IVD DEFICIENCY. Identifiers: Orphanet 33, MedGen C0268575, MONDO:0009475, OMIM 243500.

Allele frequency attached by ClinVar (database versions not stated): gnomAD exomes below 0.00001.
gnomAD v4.1: 1 of 1,614,226 alleles (0.000062%); highest among the groups gnomAD compares: Admixed American, 0.0017%; no homozygotes.

Submission:

Labcorp Genetics (formerly Invitae), Labcorp
Classification: Uncertain significance for Isovaleryl-CoA dehydrogenase deficiency. Last evaluated: 2024-10-15. Review status: criteria provided, single submitter. Criteria: Invitae Variant Classification Sherloc (09022015). Collection method: clinical testing. Allele origin: germline.
Comment: This sequence change replaces asparagine, which is neutral and polar, with serine, which is neutral and polar, at codon 143 of the IVD protein (p.Asn143Ser). This variant is present in population databases (no rsID available, gnomAD 0.003%). This variant has not been reported in the literature in individuals affected with IVD-related conditions. ClinVar contains an entry for this variant (Variation ID: 1914708). An algorithm developed to predict the effect of missense changes on protein structure and function (PolyPhen-2) suggests that this variant is likely to be disruptive. In summary, the available evidence is currently insufficient to determine the role of this variant in disease. Therefore, it has been classified as a Variant of Uncertain Significance.

NM_002225.5(IVD):c.419A>G (p.Asn140Ser)

Gene: IVD (isovaleryl-CoA dehydrogenase; plus strand). Cytogenetic location: 15q15.1.
Variant type: single nucleotide variant.
Coding change: c.419A>G on transcript NM_002225.5 (MANE Select); coding-DNA position 419, A replaced by G.
Protein change: p.Asn140Ser; replaces asparagine 140 with serine.
Molecular consequence: missense variant. On other transcripts: non-coding transcript variant (1).
Genome position (GRCh38, 1-based): chr15:40,410,760, A>G. VCF-style: chr15-40410760-A-G. GRCh37 (hg19) VCF-style: chr15-40702959-A-G.
Other names: c.329A>G, p.Asn110Ser (NM_001159508.3); c.371A>G, p.Asn124Ser (NM_001354597.3); c.419A>G, p.Asn140Ser (NM_001354598.3, NM_001354601.3); c.506A>G, p.Asn169Ser (NM_001354599.3, NM_001354600.3); short protein forms N110S, N140S, N124S, N169S.
Identifiers: ClinVar variation 1914708 (VCV001914708.5), dbSNP rs1346585286, ClinGen allele CA391716687.